The following is an entry in ClinVar:

NM_001165963.4(SCN1A):c.434T>A (p.Met145Lys)

Gene: SCN1A (sodium voltage-gated channel alpha subunit 1; minus strand). Cytogenetic location: 2q24.3.
Variant type: single nucleotide variant.
Coding change: c.434T>A on transcript NM_001165963.4 (MANE Select); coding-DNA position 434, T replaced by A.
Protein change: p.Met145Lys; replaces methionine 145 with lysine.
Molecular consequence: missense variant. On other transcripts: 5 prime UTR variant (1), non-coding transcript variant (1).
Genome position (GRCh38, 1-based): chr2:166,056,450, A>T on the plus strand (T>A on the coding strand, the complement: SCN1A is on the minus strand). VCF-style: chr2-166056450-A-T. GRCh37 (hg19) VCF-style: chr2-166912960-A-T.
Other names: p.M145K:ATG>AAG; c.434T>A, p.Met145Lys (NM_001165964.3, NM_001202435.3, NM_001353948.2 and 10 more transcripts); c.-1992T>A (NM_001353961.2); short protein forms M145K.
Identifiers: ClinVar variation 206739 (VCV000206739.2), dbSNP rs121918631, ClinGen allele CA317130.

ClinVar aggregate classification (germline): Pathogenic (1 of 4 stars; one submission).

Submission:

GeneDx
Classification: Pathogenic. Last evaluated: 2012-09-11. Review status: criteria provided, single submitter. Criteria: GeneDx Variant Classification (06012015). Collection method: clinical testing. Allele origin: germline. Affected: yes.
Comment: p.Met145Lys (ATG>AAG):c.434 T>A in exon 3 of the SCN1A gene (NM_001165963.1) The Met145Lys missense change has not been published as a mutation, nor has it been reported as a benign polymorphism to our knowledge. However, a different amino acid substitution at the same position, Met145Thr, was previously reported to co-segregate with febrile seizures in a large family, and functional studies demonstrated abnormalities consistent with a loss-of-function mutation (Mantegazza et al., 2005; Colosimo et al., 2007). The NHLBI ESP Exome Variant Project has not identified Met145Lys in approximately 6,500 individuals of European or African American ethnicity, indicating that it is not a common benign variant in these populations. The amino acid substitution is non-conservative, as an uncharged, non-polar Methionine residue is replaced by a positively charged Lysine residue. Met145Lys alters a highly conserved position in the S1 segment of the first transmembrane domain, and other missense mutations in this region of the protein have been reported in association with SCN1A-related disorders in an external mutation database. Therefore, Met145Lys is considered a disease-causing mutation. The variant is found in INFANT-EPI panel(s).